The following is an entry in ClinVar:

NM_001369369.1(FOXN1):c.1034dup (p.Trp346fs)

Gene: FOXN1 (forkhead box N1; plus strand). Cytogenetic location: 17q11.2.
Variant type: Duplication.
Coding change: c.1034dup on transcript NM_001369369.1 (MANE Select); coding-DNA position 1034, one base duplicated (T; older notation c.1034dupT).
Protein change: p.Trp346fs; shifts the reading frame from tryptophan 346.
Molecular consequence: frameshift variant.
Genome position (GRCh38, 1-based): chr17:28,534,437, T duplicated. VCF-style (leftmost placement, unchanged base first): chr17-28534436-C-CT. GRCh37 (hg19) VCF-style: chr17-26861454-C-CT.
Other names: c.1034dup, p.Trp346fs (NM_003593.3); short protein forms W346fs.
Identifiers: ClinVar variation 4725085 (VCV004725085.1).
Genomic context (GRCh38, chr17:28,534,436, plus strand): 5'-CTCAACAAGTGCTTCGAGAAGGTGGAGAACAAATCAGGAAGTTCCTCCCGCAAGGGCTGC[C>CT]TGTGGGCCCTCAATCCGGCCAAGATCGACAAGATGCAAGAGGAGCTGCAAAAATGGAAGA-3'

ClinVar aggregate classification (germline): Pathogenic (1 of 4 stars; one submission).

Conditions:
T-cell immunodeficiency, congenital alopecia, and nail dystrophy. Also called: Congenital alopecia and nail dystrophy associated with severe functional T-cell immunodeficiency; Pignata Guarino syndrome. Identifiers: Orphanet 169095, MedGen C1866426, MONDO:0011132, OMIM 601705.

Submission:

Labcorp Genetics (formerly Invitae), Labcorp
Classification: Pathogenic for T-cell immunodeficiency, congenital alopecia, and nail dystrophy. Last evaluated: 2025-09-13. Review status: criteria provided, single submitter. Criteria: Invitae Variant Classification Sherloc (09022015). Collection method: clinical testing. Allele origin: germline.
Comment: This sequence change creates a premature translational stop signal (p.Trp346Valfs*135) in the FOXN1 gene. It is expected to result in an absent or disrupted protein product. Loss-of-function variants in FOXN1 are known to be pathogenic (PMID: 10206641, 15180707, 31447097). This variant is not present in population databases (gnomAD no frequency). This variant has not been reported in the literature in individuals affected with FOXN1-related conditions. For these reasons, this variant has been classified as Pathogenic.

Literature cited by the submitters: PubMed 10206641; PubMed 15180707; PubMed 31447097.